The following is an entry in ClinVar:

NM_032043.3(BRIP1):c.3223_3226del (p.Ser1075fs)

Gene: BRIP1 (BRCA1 interacting DNA helicase 1; minus strand). Cytogenetic location: 17q23.2.
Variant type: Deletion.
Coding change: c.3223_3226del on transcript NM_032043.3 (MANE Select); coding-DNA positions 3223 to 3226, 4 bases deleted (TCAT; older notation c.3223_3226delTCAT).
Protein change: p.Ser1075fs; shifts the reading frame from serine 1075.
Molecular consequence: frameshift variant.
Genome position (GRCh38, 1-based): chr17:61,683,820-61,683,823, ATGA deleted on the plus strand (TCAT on the coding strand, the reverse complement: BRIP1 is on the minus strand); deleting any 4 consecutive bases within chr17:61,683,820-61,683,824 gives the same sequence; the c. name uses the placement nearest the transcript's 3' end. VCF-style (leftmost placement, unchanged base first): chr17-61683819-GATGA-G. GRCh37 (hg19) VCF-style: chr17-59761180-GATGA-G.
Other names: c.3223_3226delTCAT (NM_032043.2); short protein forms S1075fs.
Identifiers: ClinVar variation 1804840 (VCV001804840.2), dbSNP rs2544559021, ClinGen allele CA2580094566.

ClinVar aggregate classification (germline): Conflicting classifications of pathogenicity. Review status: criteria provided, conflicting classifications (1 of 4 stars). 2 submissions from 2 submitters: Likely pathogenic (1); Uncertain significance (1). Last evaluated 2025-12-13.

Conditions:
Familial cancer of breast. Also called: BREAST CANCER, FAMILIAL; hereditary breast carcinoma; Hereditary breast cancer. Identifiers: Orphanet 227535, MedGen C0346153, MONDO:0016419, OMIM 114480. Disease mechanism: loss of function.
Fanconi anemia complementation group J. Also called: BRIP1-Related Fanconi Anemia. Identifiers: Orphanet 84, MedGen C1836860, MONDO:0012187, OMIM 609054.

Submissions (2):

Labcorp Genetics (formerly Invitae), Labcorp
Classification: Uncertain significance for Familial cancer of breast; Fanconi anemia complementation group J. Last evaluated: 2025-12-13. Review status: criteria provided, single submitter. Criteria: Invitae Variant Classification Sherloc (09022015). Collection method: clinical testing. Allele origin: germline.
Comment: This sequence change creates a premature translational stop signal (p.Ser1075Hisfs*2) in the BRIP1 gene. While this is not anticipated to result in nonsense mediated decay, it is expected to disrupt the last 175 amino acid(s) of the BRIP1 protein. This variant is not present in population databases (gnomAD no frequency). This variant has not been reported in the literature in individuals affected with BRIP1-related conditions. ClinVar contains an entry for this variant (Variation ID: 1804840). Experimental studies and prediction algorithms are not available or were not evaluated, and the functional significance of this variant is currently unknown. In summary, the available evidence is currently insufficient to determine the role of this variant in disease. Therefore, it has been classified as a Variant of Uncertain Significance.

Women's Health and Genetics/Laboratory Corporation of America, LabCorp
Classification: Likely pathogenic for Fanconi anemia complementation group J. Last evaluated: 2022-11-08. Review status: criteria provided, single submitter. Criteria: LabCorp Variant Classification Summary - May 2015. Collection method: clinical testing. Allele origin: germline.
Comment: Variant summary: BRIP1 c.3223_3226delTCAT (p.Ser1075HisfsX2) results in a premature termination codon, predicted to cause a truncation of the encoded protein or absence of the protein due to nonsense mediated decay, which are commonly known mechanisms for disease. Truncations downstream of this position have been classified as pathogenic by our laboratory. The variant was absent in 251332 control chromosomes (gnomAD). To our knowledge, no occurrence of c.3223_3226delTCAT in individuals affected with Fanconi Anemia Complementation Group J and no experimental evidence demonstrating its impact on protein function have been reported. No clinical diagnostic laboratories have submitted clinical-significance assessments for this variant to ClinVar after 2014. Based on the evidence outlined above, the variant was classified as likely pathogenic.